The following is an entry in ClinVar:

NM_001256447.2(BCAP31):c.*4C>G

Gene: BCAP31 (B cell receptor associated protein 31; minus strand). Cytogenetic location: Xq28.
Variant type: single nucleotide variant.
Coding change: c.*4C>G on transcript NM_001256447.2 (MANE Select); 4 bases downstream of the stop codon, C replaced by G.
Molecular consequence: 3 prime UTR variant.
Genome position (GRCh38, 1-based): chrX:153,700,933, G>C on the plus strand (C>G on the coding strand, the complement: BCAP31 is on the minus strand). VCF-style: chrX-153700933-G-C. GRCh37 (hg19) VCF-style: chrX-152966388-G-C.
Other names: c.*4C>G (NM_001139441.1, NM_001139457.2, NM_005745.8).
Identifiers: ClinVar variation 3349339 (VCV003349339.1).

ClinVar aggregate classification (germline): Likely benign (0 of 4 stars; one submission).

Conditions:
BCAP31-related disorder. Also called: BCAP31-related condition.

Submission:

PreventionGenetics, part of Exact Sciences
Classification: Likely benign for BCAP31-related condition. Last evaluated: 2024-09-17. Review status: no assertion criteria provided. Collection method: clinical testing. Allele origin: germline.
Comment: This variant is classified as likely benign based on ACMG/AMP sequence variant interpretation guidelines (Richards et al. 2015 PMID: 25741868, with internal and published modifications).